The following is an entry in ClinVar:

NM_015378.4(VPS13D):c.9184A>G (p.Met3062Val)

Gene: VPS13D (vacuolar protein sorting 13 homolog D; plus strand). Cytogenetic location: 1p36.22.
Variant type: single nucleotide variant.
Coding change: c.9184A>G on transcript NM_015378.4 (MANE Select); coding-DNA position 9184, A replaced by G.
Protein change: p.Met3062Val; replaces methionine 3062 with valine.
Molecular consequence: missense variant.
Genome position (GRCh38, 1-based): chr1:12,348,937, A>G. VCF-style: chr1-12348937-A-G. GRCh37 (hg19) VCF-style: chr1-12408994-A-G.
Other names: c.9184A>G (NM_015378.3, NM_015378.2); c.9109A>G, p.Met3037Val (NM_018156.4); short protein forms M3062V, M3037V.
Identifiers: ClinVar variation 2185202 (VCV002185202.6), dbSNP rs372381323, ClinGen allele CA603360.

ClinVar aggregate classification (germline): Uncertain significance. Review status: criteria provided, multiple submitters, no conflicts (2 of 4 stars). 4 submissions from 4 submitters: Uncertain significance (4). Last evaluated 2025-06-27.

Conditions:
Inborn genetic diseases. Identifiers: MedGen C0950123, MeSH D030342.
VPS13D-related disorder. Also called: VPS13D-related condition.

Allele frequency attached by ClinVar (database versions not stated): gnomAD exomes 0.00001; ExAC 0.00002; ESP Exome Variant Server 0.00008; gnomAD 0.00009; TOPMed 0.00011.
gnomAD v4.1: 34 of 1,614,092 alleles (0.0021%); highest among the groups gnomAD compares: African/African-American, 0.04%; no homozygotes.

Submissions (4):

PreventionGenetics, part of Exact Sciences
Classification: Uncertain significance for VPS13D-related condition. Last evaluated: 2025-06-27. Review status: criteria provided, single submitter. Criteria: ACMG Guidelines, 2015. Collection method: clinical testing. Allele origin: germline.
Comment: The VPS13D c.9184A>G variant is predicted to result in the amino acid substitution p.Met3062Val. To our knowledge, this variant has not been reported in the literature. This variant is reported in 0.028% of alleles in individuals of African descent in gnomAD. At this time, the clinical significance of this variant is uncertain due to the absence of conclusive functional and genetic evidence.

Ambry Genetics
Classification: Uncertain significance for Inborn genetic diseases. Last evaluated: 2025-05-16. Review status: criteria provided, single submitter. Criteria: Ambry Variant Classification Scheme 2023. Collection method: clinical testing. Allele origin: germline.

GeneDx
Classification: Uncertain significance. Last evaluated: 2024-10-24. Review status: criteria provided, single submitter. Criteria: GeneDx Variant Classification Process June 2021. Collection method: clinical testing. Allele origin: germline. Affected: yes.
Comment: In silico analysis indicates that this missense variant does not alter protein structure/function; Has not been previously published as pathogenic or benign to our knowledge

Labcorp Genetics (formerly Invitae), Labcorp
Classification: Uncertain significance. Last evaluated: 2024-09-06. Review status: criteria provided, single submitter. Criteria: Invitae Variant Classification Sherloc (09022015). Collection method: clinical testing. Allele origin: germline.
Comment: This sequence change replaces methionine, which is neutral and non-polar, with valine, which is neutral and non-polar, at codon 3062 of the VPS13D protein (p.Met3062Val). This variant is present in population databases (rs372381323, gnomAD 0.03%). This variant has not been reported in the literature in individuals affected with VPS13D-related conditions. ClinVar contains an entry for this variant (Variation ID: 2185202). Invitae Evidence Modeling of protein sequence and biophysical properties (such as structural, functional, and spatial information, amino acid conservation, physicochemical variation, residue mobility, and thermodynamic stability) indicates that this missense variant is not expected to disrupt VPS13D protein function with a negative predictive value of 80%. In summary, the available evidence is currently insufficient to determine the role of this variant in disease. Therefore, it has been classified as a Variant of Uncertain Significance.